The following is an entry in ClinVar:

ClinVar aggregate classification (germline): Pathogenic. Review status: criteria provided, multiple submitters, no conflicts (2 of 4 stars). 5 submissions from 5 submitters: Pathogenic (4). 1 of the submissions does not count toward it. Last evaluated 2025-11-26.

Conditions:
INVS-related disorder. Also called: INVS-related condition.
Nephronophthisis. Also called: Juvenile Nephronophthisis. Identifiers: Orphanet 655, MedGen C0687120, MONDO:0019005, HP:0000090.
INVS-related disorders.

Allele frequency attached by ClinVar (database versions not stated): TOPMed 0.00002; ESP Exome Variant Server 0.00008; gnomAD 0.00005.
gnomAD v4.1: 24 of 1,613,024 alleles (0.0015%); highest among the groups gnomAD compares: African/African-American, 0.012%; no homozygotes.

Submissions (5):

PreventionGenetics, part of Exact Sciences
Classification: Pathogenic for INVS-related condition. Last evaluated: 2025-11-26. Review status: criteria provided, single submitter. Criteria: ACMG Guidelines, 2015. Collection method: clinical testing. Allele origin: germline.
Comment: The INVS c.2782C>T variant is predicted to result in premature protein termination (p.Arg928*). This variant has been reported in the compound heterozygous state in individuals with nephronophthisis-related ciliopathy or cystic kidney disease (Halbritter et al 2013. PubMed ID: 23559409; Wang et al. 2021. PubMed ID: 34295353). This variant is reported in 0.0041% of alleles in individuals of African descent in gnomAD. Nonsense variants in INVS are expected to be pathogenic. Given the evidence, we interpret c.2782C>T (p.Arg928*) as pathogenic.

Labcorp Genetics (formerly Invitae), Labcorp
Classification: Pathogenic for Nephronophthisis. Last evaluated: 2025-08-23. Review status: criteria provided, single submitter. Criteria: Invitae Variant Classification Sherloc (09022015). Collection method: clinical testing. Allele origin: germline.
Comment: This sequence change creates a premature translational stop signal (p.Arg928*) in the INVS gene. It is expected to result in an absent or disrupted protein product. Loss-of-function variants in INVS are known to be pathogenic (PMID: 12872123). This variant is present in population databases (rs376879175, gnomAD 0.004%). This premature translational stop signal has been observed in individual(s) with nephronophthisis-related ciliopathy (PMID: 23559409). ClinVar contains an entry for this variant (Variation ID: 242360). For these reasons, this variant has been classified as Pathogenic.

Blueprint Genetics
Classification: Pathogenic for INVS-related disorders. Last evaluated: 2024-10-10. Review status: criteria provided, single submitter. Criteria: ACMG Guidelines, 2015. Collection method: clinical testing. Allele origin: germline. Affected: yes. Observed: 2 variant alleles.

Eurofins Ntd Llc (ga)
Classification: Pathogenic. Last evaluated: 2018-02-22. Review status: criteria provided, single submitter. Criteria: EGL ClinVar v180209 classification definitions. Collection method: clinical testing. Allele origin: germline. Observed: 1 variant allele, 1 heterozygote.

GeneReviews
No classification provided. Condition: Nephronophthisis. Review status: no classification provided. Collection method: literature only. Allele origin: germline. Affected: yes. Not counted in ClinVar's aggregate classification.

Literature cited by the submitters: PubMed 12872123 (cited by Labcorp Genetics (formerly Invitae), Labcorp); PubMed 23559409 (cited by Labcorp Genetics (formerly Invitae), Labcorp and GeneReviews); NCBI Bookshelf NBK368475 (cited by GeneReviews).

NM_014425.5(INVS):c.2782C>T (p.Arg928Ter)

Gene: INVS (inversin; plus strand). Cytogenetic location: 9q31.1.
Variant type: single nucleotide variant.
Coding change: c.2782C>T on transcript NM_014425.5 (MANE Select); coding-DNA position 2782, C replaced by T.
Protein change: p.Arg928Ter; replaces arginine 928 with a stop codon.
Molecular consequence: nonsense. On other transcripts: non-coding transcript variant (1).
Genome position (GRCh38, 1-based): chr9:100,293,039, C>T. VCF-style: chr9-100293039-C-T. GRCh37 (hg19) VCF-style: chr9-103055321-C-T.
Other names: c.2494C>T, p.Arg832Ter (NM_001318381.2); c.1804C>T, p.Arg602Ter (NM_001318382.2); c.2782C>T (NM_014425.4); short protein forms R928*, R602*, R832*.
Identifiers: ClinVar variation 242360 (VCV000242360.22), dbSNP rs376879175, ClinGen allele CA5158689.